The following is an entry in ClinVar:

NM_000393.5(COL5A2):c.1933G>A (p.Gly645Arg)

Gene: COL5A2 (collagen type V alpha 2 chain; minus strand). Cytogenetic location: 2q32.2.
Variant type: single nucleotide variant.
Coding change: c.1933G>A on transcript NM_000393.5 (MANE Select); coding-DNA position 1933, G replaced by A.
Protein change: p.Gly645Arg; replaces glycine 645 with arginine.
Molecular consequence: missense variant.
Genome position (GRCh38, 1-based): chr2:189,062,909, C>T on the plus strand (G>A on the coding strand, the complement: COL5A2 is on the minus strand). VCF-style: chr2-189062909-C-T. GRCh37 (hg19) VCF-style: chr2-189927635-C-T.
Other names: short protein forms G645R.
Identifiers: ClinVar variation 567910 (VCV000567910.10), dbSNP rs1559085564, ClinGen allele CA349879150.

ClinVar aggregate classification (germline): Likely pathogenic (1 of 4 stars; one submission).

Conditions:
Ehlers-Danlos syndrome, classic type, 1 (EDSCL1). Also called: Ehlers-Danlos Syndrome, Classic Type, COL5A1-Related; EDS I; Ehlers-Danlos syndrome, type 1; EHLERS-DANLOS SYNDROME, GRAVIS TYPE; EHLERS-DANLOS SYNDROME, SEVERE CLASSIC TYPE. Identifiers: MedGen C0268335, MONDO:0019567, OMIM 130000.

Submission:

Labcorp Genetics (formerly Invitae), Labcorp
Classification: Likely pathogenic for Ehlers-Danlos syndrome, classic type, 1. Last evaluated: 2018-04-05. Review status: criteria provided, single submitter. Criteria: Invitae Variant Classification Sherloc (09022015). Collection method: clinical testing. Allele origin: germline.
Comment: In summary, the currently available evidence indicates that the variant is pathogenic, but additional data are needed to prove that conclusively. Therefore, this variant has been classified as Likely Pathogenic. Glycine residues within the Gly-Xaa-Yaa repeats of the triple helix domain are required for the structure and stability of fibrillar collagens (PMID: 7695699, 8218237, 19344236), and missense variants at these glycine residues in COL5A2 are more frequently observed in individuals with disease than in the general population (PMID: 22696272, 23587214). However, the clinical significance of this observation remains uncertain since only a limited number of affected individuals have been described to date. Algorithms developed to predict the effect of missense changes on protein structure and function (SIFT, PolyPhen-2, Align-GVGD) all suggest that this variant is likely to be disruptive, but these predictions have not been confirmed by published functional studies and their clinical significance is uncertain. This sequence change replaces glycine with arginine at codon 645 of the COL5A2 protein (p.Gly645Arg). The glycine residue is highly conserved and there is a moderate physicochemical difference between glycine and arginine. This variant is not present in population databases (ExAC no frequency). This variant has been reported in individuals affected with Ehlers-Danlos syndrome (PMID: 22696272, Invitae).

Literature cited by the submitters: PubMed 7695699; PubMed 8218237; PubMed 19344236; PubMed 22696272; PubMed 23587214.